The following is an entry in ClinVar:

ClinVar aggregate classification (germline): Uncertain significance (1 of 4 stars; one submission).

Allele frequency attached by ClinVar (database versions not stated): gnomAD exomes below 0.00001.
gnomAD v4.1: 1 of 1,598,002 alleles (0.000063%); highest among the groups gnomAD compares: Non-Finnish European, 0.000085%; no homozygotes.

Submission:

Labcorp Genetics (formerly Invitae), Labcorp
Classification: Uncertain significance. Last evaluated: 2025-03-10. Review status: criteria provided, single submitter. Criteria: Invitae Variant Classification Sherloc (09022015). Collection method: clinical testing. Allele origin: germline.
Comment: This sequence change replaces glycine, which is neutral and non-polar, with valine, which is neutral and non-polar, at codon 1569 of the MAST1 protein (p.Gly1569Val). This variant is not present in population databases (gnomAD no frequency). This variant has not been reported in the literature in individuals affected with MAST1-related conditions. ClinVar contains an entry for this variant (Variation ID: 2844061). An algorithm developed to predict the effect of missense changes on protein structure and function (PolyPhen-2) suggests that this variant is likely to be tolerated. In summary, the available evidence is currently insufficient to determine the role of this variant in disease. Therefore, it has been classified as a Variant of Uncertain Significance.

NM_014975.3(MAST1):c.4706G>T (p.Gly1569Val)

Gene: MAST1 (microtubule associated serine/threonine kinase 1; plus strand). Cytogenetic location: 19p13.13.
Variant type: single nucleotide variant.
Coding change: c.4706G>T on transcript NM_014975.3 (MANE Select); coding-DNA position 4706, G replaced by T.
Protein change: p.Gly1569Val; replaces glycine 1569 with valine.
Molecular consequence: missense variant.
Genome position (GRCh38, 1-based): chr19:12,874,863, G>T. VCF-style: chr19-12874863-G-T. GRCh37 (hg19) VCF-style: chr19-12985677-G-T.
Other names: short protein forms G1569V.
Identifiers: ClinVar variation 2844061 (VCV002844061.3), dbSNP rs2512546372, ClinGen allele CA404293335.